The following is an entry in ClinVar:

GRCh38/hg38 1q21.1-21.2(chr1:145215697-149076087)x3

Genes: ACP6 (acid phosphatase 6, lysophosphatidic; minus strand), ANKRD34A (ankyrin repeat domain 34A; minus strand), ANKRD35 (ankyrin repeat domain 35; minus strand), ANKRD35-DT (ANKRD35 divergent transcript; plus strand), BCL9 (BCL9 transcription coactivator; plus strand) and 144 more. Cytogenetic location: 1q21.1-21.2.
Variant type: copy number gain.
Change: copy number 3 (three copies instead of two) of chr1:145,215,697-149,076,087 (3.86 Mb, GRCh38 coordinates, 1-based), cytogenetic band 1q21.1-21.2.
Identifiers: ClinVar variation 57209 (VCV000057209.1).

ClinVar aggregate classification (germline): Pathogenic (1 of 4 stars; one submission).

Submission:

ISCA site 4
Classification: Pathogenic. Last evaluated: 2011-08-12. Review status: criteria provided, single submitter. Criteria: Kaminsky et al. (Genet Med. 2011). Collection method: clinical testing. Allele origin: unknown. Affected: yes. Observed: 1 variant allele.
Comment: Copy number variation identified through the course of routine clinical cytogenomic testing in postnatal populations. Clinical assertions have been curated as described in Kaminsky et al. 2011.